The following is an entry in ClinVar:

NM_000525.4(KCNJ11):c.544A>G (p.Ile182Val)

Gene: KCNJ11 (potassium inwardly rectifying channel subfamily J member 11; minus strand). Cytogenetic location: 11p15.1.
Variant type: single nucleotide variant.
Coding change: c.544A>G on transcript NM_000525.4 (MANE Select); coding-DNA position 544, A replaced by G.
Protein change: p.Ile182Val; replaces isoleucine 182 with valine.
Molecular consequence: missense variant.
Genome position (GRCh38, 1-based): chr11:17,387,548, T>C on the plus strand (A>G on the coding strand, the complement: KCNJ11 is on the minus strand). VCF-style: chr11-17387548-T-C. GRCh37 (hg19) VCF-style: chr11-17409095-T-C.
Other names: c.283A>G, p.Ile95Val (NM_001166290.2, NM_001377296.1, NM_001377297.1); short protein forms I182V, I95V.
Identifiers: ClinVar variation 21198 (VCV000021198.4), dbSNP rs193929348, ClinGen allele CA341722.

ClinVar aggregate classification (germline): Benign. Review status: criteria provided, single submitter (1 of 4 stars). 2 submissions from 2 submitters: Benign (1). 1 of the submissions does not count toward it.

Conditions:
Transitory neonatal diabetes mellitus. Also called: Transient neonatal diabetes mellitus. Identifiers: MedGen C0342273, MONDO:0020525, HP:0008255.
Permanent neonatal diabetes mellitus (PNDM). Identifiers: Orphanet 99885, MedGen C1833104, MONDO:0100164, MONDO:0011643. Disease mechanism: gain of function.

Submissions (2):

Clinical Genomics, Uppaluri K&H Personalized Medicine Clinic
Classification: Benign for Transitory neonatal diabetes mellitus. Review status: criteria provided, single submitter. Criteria: K & H Uppaluri Personalized Medicine Clinic Variant Classification & Assertion Criteria_Updated V.1. Collection method: research. Allele origin: somatic. Inheritance: Autosomal dominant inheritance. Affected: yes.
Comment: Mutations in KCNJ11 gene can cause decreased production and secretion of insulin. This can lead to MODY which may be responsive to oral sulfonylureas. This particular variant (rs193929348) is associated with reduced activity of the enzyme in Transient Neonatal Diabetes Mellitus.

GeneReviews
No classification provided. Condition: Permanent neonatal diabetes mellitus. Review status: no classification provided. Collection method: literature only. Allele origin: unknown. Not counted in ClinVar's aggregate classification.

Literature cited by the submitters: PubMed 17446535 (cited by Clinical Genomics, Uppaluri K&H Personalized Medicine Clinic); PubMed 20301620 (cited by GeneReviews); NCBI Bookshelf NBK1447 (cited by GeneReviews).